The following is an entry in ClinVar:

ClinVar aggregate classification (germline): Likely pathogenic (1 of 4 stars; one submission).

Submission:

Athena Diagnostics
Classification: Likely pathogenic. Last evaluated: 2025-07-24. Review status: criteria provided, single submitter. Criteria: Athena Diagnostics Criteria. Collection method: clinical testing. Allele origin: unknown.
Comment: This deletion is expected to maintain the transcript reading frame. However, it disrupts a substantial portion of the protein, and therefore, is expected to disrupt its function. Similar variants have not been reported in large, multi-ethnic general populations. A similar deletion of exons 14-16 has been identified in at least one individual with clinical features associated with this gene.

Literature cited by the submitters: PubMed 22203332; PubMed 26671083; PubMed 38732227.

Single allele

Gene: SPAST (spastin; plus strand). Cytogenetic location: 2p22.3.
Variant type: Deletion.
Identifiers: ClinVar variation 1807271 (VCV001807271.2).